The following is an entry in ClinVar:

ClinVar aggregate classification (germline): Uncertain significance (1 of 4 stars; one submission).

Conditions:
Autosomal recessive limb-girdle muscular dystrophy type 2J (LGMDR10). Also called: Limb-girdle muscular dystrophy, type 2J; MUSCULAR DYSTROPHY, LIMB-GIRDLE, AUTOSOMAL RECESSIVE 10. Identifiers: Orphanet 140922, MedGen C1837342, MONDO:0012127, OMIM 608807.
Dilated cardiomyopathy 1G (CMD1G). Identifiers: Orphanet 154, MedGen C1858763, MONDO:0011400, OMIM 604145.

Submission:

Labcorp Genetics (formerly Invitae), Labcorp
Classification: Uncertain significance for Dilated cardiomyopathy 1G; Autosomal recessive limb-girdle muscular dystrophy type 2J. Last evaluated: 2024-07-30. Review status: criteria provided, single submitter. Criteria: Invitae Variant Classification Sherloc (09022015). Collection method: clinical testing. Allele origin: germline.
Comment: This sequence change replaces threonine, which is neutral and polar, with alanine, which is neutral and non-polar, at codon 35318 of the TTN protein (p.Thr35318Ala). This variant is not present in population databases (gnomAD no frequency). This variant has not been reported in the literature in individuals affected with TTN-related conditions. An algorithm developed to predict the effect of missense changes on protein structure and function outputs the following: PolyPhen-2: "Not Available". The alanine amino acid residue is found in multiple mammalian species, which suggests that this missense change does not adversely affect protein function. This variant is located in the M band of TTN (PMID: 25589632). Non-truncating variants in this region may be relevant for neuromuscular disorders, but have not been definitively shown to cause cardiomyopathy (PMID: 23975875). In summary, the available evidence is currently insufficient to determine the role of this variant in disease. Therefore, it has been classified as a Variant of Uncertain Significance.

Literature cited by the submitters: PubMed 25589632; PubMed 23975875.

NM_001267550.2(TTN):c.105952A>G (p.Thr35318Ala)

Genes: TTN (titin; minus strand), TTN-AS1 (TTN antisense RNA 1; plus strand), LOC129935183 (ATAC-STARR-seq lymphoblastoid active region 16808; plus strand). Cytogenetic location: 2q31.2.
Variant type: single nucleotide variant.
Coding change: c.105952A>G on transcript NM_001267550.2 (MANE Select); coding-DNA position 105952, A replaced by G.
Protein change: p.Thr35318Ala; replaces threonine 35318 with alanine.
Molecular consequence: missense variant.
Genome position (GRCh38, 1-based): chr2:178,530,663, T>C on the plus strand (A>G on the coding strand, the complement: TTN is on the minus strand). VCF-style: chr2-178530663-T-C. GRCh37 (hg19) VCF-style: chr2-179395390-T-C.
Other names: c.101029A>G, p.Thr33677Ala (NM_001256850.1); c.78757A>G, p.Thr26253Ala (NM_003319.4); c.98248A>G, p.Thr32750Ala (NM_133378.4); c.79132A>G, p.Thr26378Ala (NM_133432.3); c.79333A>G, p.Thr26445Ala (NM_133437.4); short protein forms T26253A, T26378A, T26445A, T32750A, T33677A, T35318A.
Identifiers: ClinVar variation 3761279 (VCV003761279.2).